The following is an entry in ClinVar:

ClinVar aggregate classification (germline): Uncertain significance. Review status: no assertion criteria provided (0 of 4 stars). 2 submissions from 1 submitter: Uncertain significance (2). Last evaluated 2021-08-07.

Conditions:
Susceptibility to severe coronavirus disease (COVID-19) due to high plasma levels of TNF, TNFR, and/or TNFR5.
Susceptibility to severe coronavirus disease (COVID-19). Also called: Susceptibility to severe coronavirus disease COVID-19.

Allele frequency attached by ClinVar (database versions not stated): gnomAD 0.04551 and 0.04594; gnomAD exomes 0.04986; 1000 Genomes Project 30x 0.05824; 1000 Genomes Project 0.06090; TOPMed 0.04842.

Submissions (2):

Pneumogenomics Laboratory, Instituto Nacional de Enfermedades Respiratorias Ismael Cosio Villegas
Classification: Uncertain significance for Susceptibility to severe coronavirus disease (COVID-19) due to high plasma levels of TNF, TNFR, and/or TNFR5. Last evaluated: 2021-08-07. Review status: no assertion criteria provided. Collection method: research. Allele origin: germline. Affected: yes.
Comment: Differences in plasma levels of TNFR2 according to genotypes

Pneumogenomics Laboratory, Instituto Nacional de Enfermedades Respiratorias Ismael Cosio Villegas
Classification: Uncertain significance for Susceptibility to severe coronavirus disease (COVID-19). Last evaluated: 2021-02-09. Review status: no assertion criteria provided. Collection method: research. Allele origin: germline. Affected: yes.

NC_000006.12:g.31575324G>A

Gene: TNF (tumor necrosis factor; plus strand). Cytogenetic location: 6p21.33.
Variant type: single nucleotide variant.
Genome position: GRCh38 VCF-style: chr6-31575324-G-A. GRCh37 (hg19) VCF-style: chr6-31543101-G-A.
Identifiers: ClinVar variation 1048804 (VCV001048804.3), dbSNP rs361525, ClinGen allele CA12231313.